The following is an entry in ClinVar:

NM_002485.5(NBN):c.113A>G (p.Asp38Gly)

Gene: NBN (nibrin; minus strand). Cytogenetic location: 8q21.3.
Variant type: single nucleotide variant.
Coding change: c.113A>G on transcript NM_002485.5 (MANE Select); coding-DNA position 113, A replaced by G.
Protein change: p.Asp38Gly; replaces aspartic acid 38 with glycine.
Molecular consequence: missense variant. On other transcripts: 5 prime UTR variant (1).
Genome position (GRCh38, 1-based): chr8:89,982,780, T>C on the plus strand (A>G on the coding strand, the complement: NBN is on the minus strand). VCF-style: chr8-89982780-T-C. GRCh37 (hg19) VCF-style: chr8-90995008-T-C.
Other names: c.-184A>G (NM_001024688.3); short protein forms D38G.
Identifiers: ClinVar variation 3403074 (VCV003403074.2).

ClinVar aggregate classification (germline): Uncertain significance. Review status: criteria provided, single submitter (1 of 4 stars). 2 submissions from 2 submitters: Uncertain significance (1). 1 of the submissions does not count toward it. Last evaluated 2024-11-10.

Conditions:
Hereditary cancer-predisposing syndrome. Also called: Hereditary Cancer Syndrome; Hereditary neoplastic syndrome; Neoplastic Syndromes, Hereditary; Tumor predisposition. Identifiers: Orphanet 140162, MedGen C0027672, MeSH D009386, MONDO:0015356.
Microcephaly, normal intelligence and immunodeficiency (NBS). Also called: Nijmegen breakage syndrome; Microcephaly with normal intelligence immunodeficiency and lymphoreticular malignancies; Nonsyndromal microcephaly autosomal recessive with normal intelligence; Seemanova syndrome 2; Immunodeficiency, microcephaly with normal intelligence; IMMUNODEFICIENCY, MICROCEPHALY, AND CHROMOSOMAL INSTABILITY. Identifiers: Orphanet 647, MedGen C0398791, MONDO:0009623, OMIM 251260.

Submissions (2):

Ambry Genetics
Classification: Uncertain significance for Hereditary cancer-predisposing syndrome. Last evaluated: 2024-11-10. Review status: criteria provided, single submitter. Criteria: Ambry Variant Classification Scheme 2023. Collection method: clinical testing. Allele origin: germline.
Comment: The p.D38G variant (also known as c.113A>G), located in coding exon 2 of the NBN gene, results from an A to G substitution at nucleotide position 113. The aspartic acid at codon 38 is replaced by glycine, an amino acid with similar properties. This amino acid position is conserved. In addition, this alteration is predicted to be deleterious by in silico analysis. Based on the available evidence, the clinical significance of this variant remains unclear.

Natera, Inc.
Classification: Uncertain significance for Nijmegen breakage syndrome. Last evaluated: 2025-04-15. Review status: no assertion criteria provided. Collection method: clinical testing. Allele origin: germline. Not counted in ClinVar's aggregate classification.